The following is an entry in ClinVar:

ClinVar aggregate classification (germline): Uncertain significance (1 of 4 stars; one submission).

Submission:

GeneDx
Classification: Uncertain significance. Last evaluated: 2026-04-17. Review status: criteria provided, single submitter. Criteria: GeneDx Variant Classification Process June 2021. Collection method: clinical testing. Allele origin: germline.
Comment: Not observed at significant frequency in large population cohorts (gnomAD); In silico analysis suggests that this missense variant does not alter protein structure/function; Has not been previously published as pathogenic or benign to our knowledge.

NM_134261.3(RORA):c.803T>C (p.Val268Ala)

Genes: RORA (RAR related orphan receptor A; minus strand), RORA-AS1 (RORA antisense RNA 1; plus strand). Cytogenetic location: 15q22.2.
Variant type: single nucleotide variant.
Coding change: c.803T>C on transcript NM_134261.3 (MANE Select); coding-DNA position 803, T replaced by C.
Protein change: p.Val268Ala; replaces valine 268 with alanine.
Molecular consequence: missense variant.
Genome position (GRCh38, 1-based): chr15:60,511,243, A>G on the plus strand (T>C on the coding strand, the complement: RORA is on the minus strand). VCF-style: chr15-60511243-A-G. GRCh37 (hg19) VCF-style: chr15-60803442-A-G.
Other names: c.878T>C, p.Val293Ala (NM_002943.4); c.902T>C, p.Val301Ala (NM_134260.3); c.638T>C, p.Val213Ala (NM_134262.3); short protein forms V213A, V268A, V293A, V301A.
Identifiers: ClinVar variation 5037172 (VCV005037172.1).